The following is an entry in ClinVar:

ClinVar aggregate classification (germline): Uncertain significance (1 of 4 stars; one submission).

Submission:

Laboratorio de Genetica e Diagnostico Molecular, Hospital Israelita Albert Einstein
Classification: Uncertain significance. Last evaluated: 2021-10-08. Review status: criteria provided, single submitter. Criteria: ACMG Guidelines, 2015. Collection method: clinical testing. Allele origin: germline. Affected: yes.
Comment: ACMG classification criteria: PM2

NM_001080508.3(TBX18):c.1319G>C (p.Arg440Thr)

Gene: TBX18 (T-box transcription factor 18; minus strand). Cytogenetic location: 6q14.3.
Variant type: single nucleotide variant.
Coding change: c.1319G>C on transcript NM_001080508.3 (MANE Select); coding-DNA position 1319, G replaced by C.
Protein change: p.Arg440Thr; replaces arginine 440 with threonine.
Molecular consequence: missense variant.
Genome position (GRCh38, 1-based): chr6:84,737,190, C>G on the plus strand (G>C on the coding strand, the complement: TBX18 is on the minus strand). VCF-style: chr6-84737190-C-G. GRCh37 (hg19) VCF-style: chr6-85446908-C-G.
Other names: short protein forms R440T.
Identifiers: ClinVar variation 1690464 (VCV001690464.2), dbSNP rs1766893332, ClinGen allele CA364894752.
Genomic context (GRCh38, chr6:84,737,190, plus strand): 5'-ACGCCCACATAGGAGGGAGTCCTGGGCGGGGCAAAGGTCTCACCAGCCTGGTTGGTGAGC[C>G]TGTTGTAGGTCTCTGCCAAAGATGTGCTGTATCGGTTGAGGGTGAGGCCTGAGCGGGCAC-3'
Protein context (NP_001073977.1, residues 430-450): YSTSLAETYN[Arg440Thr]LTNQAGETFA